The following is an entry in ClinVar:

ClinVar aggregate classification (germline): Pathogenic (1 of 4 stars; one submission).

Conditions:
Niemann-Pick disease, type C1. Also called: NEUROVISCERAL STORAGE DISEASE WITH VERTICAL SUPRANUCLEAR OPHTHALMOPLEGIA; NIEMANN-PICK DISEASE WITH CHOLESTEROL ESTERIFICATION BLOCK; NIEMANN-PICK DISEASE WITHOUT SPHINGOMYELINASE DEFICIENCY; NIEMANN-PICK DISEASE, CHRONIC NEURONOPATHIC FORM; NIEMANN-PICK DISEASE, VARIANT TYPE C1. Identifiers: Orphanet 646, MedGen C3179455, MONDO:0009757, OMIM 257220.

Submission:

Labcorp Genetics (formerly Invitae), Labcorp
Classification: Pathogenic for Niemann-Pick disease, type C1. Last evaluated: 2017-02-28. Review status: criteria provided, single submitter. Criteria: Invitae Variant Classification Sherloc (09022015). Collection method: clinical testing. Allele origin: germline.
Comment: This sequence change inserts 4 nucleotide in exon 21 of the NPC1 mRNA (c.3234_3237dupATTT), causing a frameshift at codon 1080. This creates a premature translational stop signal (p.Pro1080Ilefs*18) and is expected to result in an absent or disrupted protein product. For these reasons, this variant has been classified as Pathogenic. Loss-of-function variants in NPC1 are known to be pathogenic. This particular variant has been reported in an individual affected with NPC1 presenting liver failure and hepatitis (PMID: 25326637).

Literature cited by the submitters: PubMed 25326637.

NM_000271.5(NPC1):c.3234_3237dup (p.Pro1080fs)

Gene: NPC1 (NPC intracellular cholesterol transporter 1; minus strand). Cytogenetic location: 18q11.2.
Variant type: Duplication.
Coding change: c.3234_3237dup on transcript NM_000271.5 (MANE Select); coding-DNA positions 3234 to 3237, 4 bases duplicated (ATTT; older notation c.3234_3237dupATTT).
Protein change: p.Pro1080fs; shifts the reading frame from proline 1080.
Molecular consequence: frameshift variant.
Genome position (GRCh38, 1-based): chr18:23,536,681-23,536,684, AAAT duplicated on the plus strand (ATTT on the coding strand, the reverse complement: NPC1 is on the minus strand); duplicating any 4 consecutive bases within chr18:23,536,681-23,536,685 gives the same sequence; the c. name uses the placement nearest the transcript's 3' end. VCF-style (leftmost placement, unchanged base first): chr18-23536680-G-GAAAT. GRCh37 (hg19) VCF-style: chr18-21116644-G-GAAAT.
Other names: short protein forms P1080fs.
Identifiers: ClinVar variation 242483 (VCV000242483.9), dbSNP rs863224902, ClinGen allele CA353801.